The following is an entry in ClinVar:

NM_207122.2(EXT2):c.497G>A (p.Arg166His)

Gene: EXT2 (exostosin glycosyltransferase 2; plus strand). Cytogenetic location: 11p11.2.
Variant type: single nucleotide variant.
Coding change: c.497G>A on transcript NM_207122.2 (MANE Select); coding-DNA position 497, G replaced by A.
Protein change: p.Arg166His; replaces arginine 166 with histidine.
Molecular consequence: missense variant.
Genome position (GRCh38, 1-based): chr11:44,108,209, G>A. VCF-style: chr11-44108209-G-A. GRCh37 (hg19) VCF-style: chr11-44129759-G-A.
Other names: c.596G>A, p.Arg199His (NM_000401.3); c.497G>A, p.Arg166His (NM_001178083.3, NM_001389628.1, NM_001389630.1); short protein forms R199H, R166H.
Identifiers: ClinVar variation 1348443 (VCV001348443.12), dbSNP rs772821141, ClinGen allele CA5954899.

ClinVar aggregate classification (germline): Conflicting classifications of pathogenicity. Review status: criteria provided, conflicting classifications (1 of 4 stars). 4 submissions from 4 submitters: Uncertain significance (1); Benign (2); Likely benign (1). Last evaluated 2025-06-17.

Conditions:
Ovarian cancer. Also called: OVARIAN CANCER, SOMATIC. Identifiers: Orphanet 213500, MedGen C1140680, MONDO:0008170, OMIM 167000.
Exostoses, multiple, type 2 (EXT2). Also called: Hereditary Multiple Osteochondromatosis, Type II; EXOSTOSES, MULTIPLE, TYPE II. Identifiers: Orphanet 321, MedGen C1851413, MONDO:0007586, OMIM 133701.

Allele frequency attached by ClinVar (database versions not stated): gnomAD 0.00002 and 0.00003; gnomAD exomes 0.00003 and 0.00004; TOPMed 0.00003; ExAC 0.00004.
gnomAD v4.1: 56 of 1,613,316 alleles (0.0035%); highest among the groups gnomAD compares: African/African-American, 0.0053%; no homozygotes.

Submissions (4):

St. Jude Molecular Pathology, St. Jude Children's Research Hospital
Classification: Uncertain significance for Exostoses, multiple, type 2. Last evaluated: 2025-06-17. Review status: criteria provided, single submitter. Criteria: St. Jude Assertion Criteria 2020. Collection method: clinical testing. Allele origin: germline.
Comment: The EXT2 c.596G>A p.(Arg199His) missense change has a maximum subpopulation frequency of 0.02% in gnomAD v2.1.1. The in silico tool REVEL is inconclusive about a pathogenic or benign effect of this variant on protein function, and to our knowledge functional studies have not been performed. To our knowledge, this variant has not been reported in individuals with hereditary multiple exostoses. In summary, the evidence currently available is insufficient to determine the clinical significance of this variant. It has therefore been classified as of uncertain significance.

Labcorp Genetics (formerly Invitae), Labcorp
Classification: Benign for Exostoses, multiple, type 2. Last evaluated: 2025-03-11. Review status: criteria provided, single submitter. Criteria: Invitae Variant Classification Sherloc (09022015). Collection method: clinical testing. Allele origin: germline.

Blueprint Genetics
Classification: Likely benign. Last evaluated: 2024-11-06. Review status: criteria provided, single submitter. Criteria: ACMG Guidelines, 2015. Collection method: clinical testing. Allele origin: germline.

Laboratory of Molecular Epidemiology of Birth Defects, West China Second University Hospital, Sichuan University
Classification: Benign for Ovarian cancer. Last evaluated: 2022-01-01. Review status: criteria provided, single submitter. Criteria: ACMG Guidelines, 2015. Collection method: clinical testing. Allele origin: germline. Affected: yes.